The following is an entry in ClinVar:

NM_001267550.2(TTN):c.36202+3A>C

Gene: TTN (titin; minus strand). Cytogenetic location: 2q31.2.
Variant type: single nucleotide variant.
Coding change: c.36202+3A>C on transcript NM_001267550.2 (MANE Select); 3 bases into the intron after coding-DNA position 36202, A replaced by C.
Molecular consequence: intron variant.
Genome position (GRCh38, 1-based): chr2:178,664,651, T>G on the plus strand (A>C on the coding strand, the complement: TTN is on the minus strand). VCF-style: chr2-178664651-T-G. GRCh37 (hg19) VCF-style: chr2-179529378-T-G.
Other names: c.13283-22334A>C (NM_003319.4); c.13859-22334A>C (NM_133437.4); c.13658-22334A>C (NM_133432.3); c.31484-1596A>C (NM_133378.4); c.34265-1596A>C (NM_001256850.1).
Identifiers: ClinVar variation 4784405 (VCV004784405.1).

ClinVar aggregate classification (germline): Uncertain significance (1 of 4 stars; one submission).

Conditions:
Dilated cardiomyopathy 1G (CMD1G). Identifiers: Orphanet 154, MedGen C1858763, MONDO:0011400, OMIM 604145.
Autosomal recessive limb-girdle muscular dystrophy type 2J (LGMDR10). Also called: Limb-girdle muscular dystrophy, type 2J; MUSCULAR DYSTROPHY, LIMB-GIRDLE, AUTOSOMAL RECESSIVE 10. Identifiers: Orphanet 140922, MedGen C1837342, MONDO:0012127, OMIM 608807.

Submission:

Labcorp Genetics (formerly Invitae), Labcorp
Classification: Uncertain significance for Dilated cardiomyopathy 1G; Autosomal recessive limb-girdle muscular dystrophy type 2J. Last evaluated: 2025-03-11. Review status: criteria provided, single submitter. Criteria: Invitae Variant Classification Sherloc (09022015). Collection method: clinical testing. Allele origin: germline.
Comment: This sequence change falls in intron 167 of the TTN gene. It does not directly change the encoded amino acid sequence of the TTN protein. It affects a nucleotide within the consensus splice site. This variant is not present in population databases (gnomAD no frequency). This variant has not been reported in the literature in individuals affected with TTN-related conditions. Variants that disrupt the consensus splice site are a relatively common cause of aberrant splicing (PMID: 17576681, 9536098). Algorithms developed to predict the effect of sequence changes on RNA splicing suggest that this variant may disrupt the consensus splice site. This variant is located in the I band of TTN (PMID: 25589632). Non-truncating variants in this region may be clinically relevant, but have not been definitively shown to cause cardiomyopathy or neuromuscular disease (PMID: 27493940, 32778822). In summary, the available evidence is currently insufficient to determine the role of this variant in disease. Therefore, it has been classified as a Variant of Uncertain Significance.

Literature cited by the submitters: PubMed 17576681; PubMed 9536098; PubMed 25589632; PubMed 27493940; PubMed 32778822.